The following is an entry in ClinVar:

NM_001369.3(DNAH5):c.13338+1G>A

Gene: DNAH5 (dynein axonemal heavy chain 5; minus strand). Cytogenetic location: 5p15.2.
Variant type: single nucleotide variant.
Coding change: c.13338+1G>A on transcript NM_001369.3 (MANE Select); the canonical splice donor site of the intron after coding-DNA position 13338, G replaced by A.
Molecular consequence: splice donor variant.
Genome position (GRCh38, 1-based): chr5:13,708,122, C>T on the plus strand (G>A on the coding strand, the complement: DNAH5 is on the minus strand). VCF-style: chr5-13708122-C-T. GRCh37 (hg19) VCF-style: chr5-13708231-C-T.
Identifiers: ClinVar variation 2801720 (VCV002801720.4), dbSNP rs1219958424, ClinGen allele CA359196214.

ClinVar aggregate classification (germline): Likely pathogenic. Review status: criteria provided, multiple submitters, no conflicts (2 of 4 stars). 2 submissions from 2 submitters: Likely pathogenic (2). Last evaluated 2023-12-24.

Conditions:
Primary ciliary dyskinesia. Also called: Ciliary dyskinesia. Identifiers: Orphanet 244, MedGen C0008780, MONDO:0016575, HP:0012265.
Primary ciliary dyskinesia 3. Identifiers: Orphanet 244, MedGen C1837618, MONDO:0012085, OMIM 608644.

gnomAD v4.1: 2 of 1,614,058 alleles (0.00012%); highest among the groups gnomAD compares: Non-Finnish European, 0.00017%; no homozygotes.

Submissions (2):

Labcorp Genetics (formerly Invitae), Labcorp
Classification: Likely pathogenic for Primary ciliary dyskinesia. Last evaluated: 2023-12-24. Review status: criteria provided, single submitter. Criteria: Invitae Variant Classification Sherloc (09022015). Collection method: clinical testing. Allele origin: germline.
Comment: This sequence change affects a donor splice site in intron 76 of the DNAH5 gene. It is expected to disrupt RNA splicing. Variants that disrupt the donor or acceptor splice site typically lead to a loss of protein function (PMID: 16199547), and loss-of-function variants in DNAH5 are known to be pathogenic (PMID: 11788826, 16627867). This variant is not present in population databases (gnomAD no frequency). This variant has not been reported in the literature in individuals affected with DNAH5-related conditions. Algorithms developed to predict the effect of sequence changes on RNA splicing suggest that this variant may disrupt the consensus splice site. In summary, the currently available evidence indicates that the variant is pathogenic, but additional data are needed to prove that conclusively. Therefore, this variant has been classified as Likely Pathogenic.

Department of Pathology and Laboratory Medicine, Sinai Health System
Classification: Likely pathogenic for Primary ciliary dyskinesia 3. Last evaluated: 2023-04-04. Review status: criteria provided, single submitter. Criteria: ACMG Guidelines, 2015. Collection method: research. Allele origin: germline.

Literature cited by the submitters: PubMed 16199547 (cited by Labcorp Genetics (formerly Invitae), Labcorp); PubMed 11788826 (cited by Labcorp Genetics (formerly Invitae), Labcorp); PubMed 16627867 (cited by Labcorp Genetics (formerly Invitae), Labcorp).